The following is an entry in ClinVar:

NM_001267550.2(TTN):c.36948dup (p.Ala12317fs)

Gene: TTN (titin; minus strand). Cytogenetic location: 2q31.2.
Variant type: Duplication.
Coding change: c.36948dup on transcript NM_001267550.2 (MANE Select); coding-DNA position 36948, one base duplicated (C; older notation c.36948dupC).
Protein change: p.Ala12317fs; shifts the reading frame from alanine 12317.
Molecular consequence: frameshift variant. On other transcripts: intron variant (5).
Genome position (GRCh38, 1-based): chr2:178,662,543, G duplicated on the plus strand (C on the coding strand, the reverse complement: TTN is on the minus strand); the first of 5 consecutive G bases (chr2:178,662,543-178,662,547); duplicating any one gives the same sequence. VCF-style (leftmost placement, unchanged base first): chr2-178662542-C-CG. GRCh37 (hg19) VCF-style: chr2-179527269-C-CG.
Other names: c.13283-20226dup (NM_003319.4); c.13859-20226dup (NM_133437.4); c.13658-20226dup (NM_133432.3); c.31573+423dup (NM_133378.4); c.34354+423dup (NM_001256850.1); short protein forms A12317fs.
Identifiers: ClinVar variation 3338072 (VCV003338072.1).
Genomic context (GRCh38, chr2:178,662,542, plus strand): 5'-AGGAATGGAAGAGAGATTTCTTCTGCAGGATAAGGTTGAGCTGACATGTACCTGTAACTG[C>CG]GGGGGCTTCTGGTTTTTTGATTGGTGCCTTGGGAATTTTCTTTTCTGGGACAACTTCTTG-3'

ClinVar aggregate classification (germline): Likely pathogenic (0 of 4 stars; one submission).

Conditions:
Autosomal recessive limb-girdle muscular dystrophy type 2J (LGMDR10). Also called: Limb-girdle muscular dystrophy, type 2J; MUSCULAR DYSTROPHY, LIMB-GIRDLE, AUTOSOMAL RECESSIVE 10. Identifiers: Orphanet 140922, MedGen C1837342, MONDO:0012127, OMIM 608807.

Submission:

Solve-RD Consortium
Classification: Likely pathogenic for Autosomal recessive limb-girdle muscular dystrophy type 2J. Last evaluated: 2022-06-01. Review status: no assertion criteria provided. Collection method: provider interpretation. Allele origin: inherited. Affected: yes.
Comment: Variant confirmed as disease-causing by referring clinical team

Variant identified during reanalysis of unsolved cases by the Solve-RD project. The Solve-RD project has received funding from the European Union’s Horizon 2020 research and innovation programme under grant agreement No 779257.

Literature cited by the submitters: PubMed 39825153.